The following is an entry in ClinVar:

NM_018180.3(DHX32):c.511dup (p.Met171fs)

Gene: DHX32 (DEAH-box helicase 32 (putative); minus strand). Cytogenetic location: 10q26.2.
Variant type: Duplication.
Coding change: c.511dup on transcript NM_018180.3 (MANE Select); coding-DNA position 511, one base duplicated (A; older notation c.511dupA).
Protein change: p.Met171fs; shifts the reading frame from methionine 171.
Molecular consequence: frameshift variant.
Genome position (GRCh38, 1-based): chr10:125,859,941, T duplicated on the plus strand (A on the coding strand, the reverse complement: DHX32 is on the minus strand). VCF-style (leftmost placement, unchanged base first): chr10-125859940-A-AT. GRCh37 (hg19) VCF-style: chr10-127548509-A-AT.
Other names: short protein forms M171fs.
Identifiers: ClinVar variation 3723133 (VCV003723133.2).
Genomic context (GRCh38, chr10:125,859,940, plus strand): 5'-CTTCTTTCATGAATATCATCTAAGATGATGACCCCATAGCTACCCAAAAAAGGATTGGAC[A>AT]TCATTTCTCTTTGCAGCATATCATCAGTACAATACCTATAAAGAAGAAACATTAAAGTTA-3'

ClinVar aggregate classification (germline): Uncertain significance (1 of 4 stars; one submission).

Submission:

Labcorp Genetics (formerly Invitae), Labcorp
Classification: Uncertain significance. Last evaluated: 2024-10-17. Review status: criteria provided, single submitter. Criteria: Invitae Variant Classification Sherloc (09022015). Collection method: clinical testing. Allele origin: germline.
Comment: This sequence change creates a premature translational stop signal (p.Met171Asnfs*8) in the DHX32 gene. It is expected to result in an absent or disrupted protein product. However, the current clinical and genetic evidence is not sufficient to establish whether loss-of-function variants in DHX32 cause disease. This variant is not present in population databases (gnomAD no frequency). This variant has not been reported in the literature in individuals affected with DHX32-related conditions. In summary, the available evidence is currently insufficient to determine the role of this variant in disease. Therefore, it has been classified as a Variant of Uncertain Significance.